The following is an entry in ClinVar:

NM_001365276.2(TNXB):c.4210G>T (p.Val1404Leu)

Gene: TNXB (tenascin XB; minus strand). Cytogenetic location: 6p21.33.
Variant type: single nucleotide variant.
Coding change: c.4210G>T on transcript NM_001365276.2 (MANE Select); coding-DNA position 4210, G replaced by T.
Protein change: p.Val1404Leu; replaces valine 1404 with leucine.
Molecular consequence: missense variant.
Genome position (GRCh38, 1-based): chr6:32,079,198, C>A on the plus strand (G>T on the coding strand, the complement: TNXB is on the minus strand). VCF-style: chr6-32079198-C-A. GRCh37 (hg19) VCF-style: chr6-32046975-C-A.
Other names: c.4210G>T, p.Val1404Leu (NM_019105.8); short protein forms V1404L.
Identifiers: ClinVar variation 1738753 (VCV001738753.2), dbSNP rs766110850, ClinGen allele CA136893643.

ClinVar aggregate classification (germline): Uncertain significance (1 of 4 stars; one submission).

Conditions:
Cardiovascular phenotype. Identifiers: MedGen CN230736.

Submission:

Ambry Genetics
Classification: Uncertain significance for Cardiovascular phenotype. Last evaluated: 2022-03-30. Review status: criteria provided, single submitter. Criteria: Ambry Variant Classification Scheme 2023. Collection method: clinical testing. Allele origin: germline.
Comment: The p.V1404L variant (also known as c.4210G>T), located in coding exon 10 of the TNXB gene, results from a G to T substitution at nucleotide position 4210. The valine at codon 1404 is replaced by leucine, an amino acid with highly similar properties. This amino acid position is conserved. In addition, this alteration is predicted to be tolerated by in silico analysis. Since supporting evidence is limited at this time, the clinical significance of this alteration remains unclear.